The following is an entry in ClinVar:

NM_003737.4(DCHS1):c.4294C>T (p.His1432Tyr)

Gene: DCHS1 (dachsous cadherin-related 1; minus strand). Cytogenetic location: 11p15.4.
Variant type: single nucleotide variant.
Coding change: c.4294C>T on transcript NM_003737.4 (MANE Select); coding-DNA position 4294, C replaced by T.
Protein change: p.His1432Tyr; replaces histidine 1432 with tyrosine.
Molecular consequence: missense variant.
Genome position (GRCh38, 1-based): chr11:6,630,500, G>A on the plus strand (C>T on the coding strand, the complement: DCHS1 is on the minus strand). VCF-style: chr11-6630500-G-A. GRCh37 (hg19) VCF-style: chr11-6651731-G-A.
Other names: short protein forms H1432Y.
Identifiers: ClinVar variation 2868650 (VCV002868650.3), dbSNP rs1286125983, ClinGen allele CA379406205.

ClinVar aggregate classification (germline): Uncertain significance (1 of 4 stars; one submission).

Allele frequency attached by ClinVar (database versions not stated): gnomAD exomes below 0.00001; TOPMed below 0.00001.
gnomAD v4.1: 6 of 1,538,162 alleles (0.00039%); highest among the groups gnomAD compares: Non-Finnish European, 0.00052%; no homozygotes.

Submission:

Labcorp Genetics (formerly Invitae), Labcorp
Classification: Uncertain significance. Last evaluated: 2025-05-19. Review status: criteria provided, single submitter. Criteria: Invitae Variant Classification Sherloc (09022015). Collection method: clinical testing. Allele origin: germline.
Comment: This sequence change replaces histidine, which is basic and polar, with tyrosine, which is neutral and polar, at codon 1432 of the DCHS1 protein (p.His1432Tyr). This variant is not present in population databases (gnomAD no frequency). This variant has not been reported in the literature in individuals affected with DCHS1-related conditions. ClinVar contains an entry for this variant (Variation ID: 2868650). Invitae Evidence Modeling of protein sequence and biophysical properties (such as structural, functional, and spatial information, amino acid conservation, physicochemical variation, residue mobility, and thermodynamic stability) has been performed for this missense variant. However, the output from this modeling did not meet the statistical confidence thresholds required to predict the impact of this variant on DCHS1 protein function. In summary, the available evidence is currently insufficient to determine the role of this variant in disease. Therefore, it has been classified as a Variant of Uncertain Significance.